The following is an entry in ClinVar:

ClinVar aggregate classification (germline): Likely pathogenic (1 of 4 stars; one submission).

Conditions:
Cerebrooculofacioskeletal syndrome 4 (COFS4). Identifiers: MedGen C1853100, MONDO:0012554, OMIM 610758.

Submission:

Laboratorio de Genetica e Diagnostico Molecular, Hospital Israelita Albert Einstein
Classification: Likely pathogenic for Cerebrooculofacioskeletal syndrome 4. Last evaluated: 2021-04-14. Review status: criteria provided, single submitter. Criteria: ACMG Guidelines, 2015. Collection method: clinical testing. Allele origin: germline. Affected: yes.
Comment: ACMG classification criteria: PVS1, PM2

NM_001983.4(ERCC1):c.231del (p.Thr78fs)

Gene: ERCC1 (ERCC excision repair 1, endonuclease non-catalytic subunit; minus strand). Cytogenetic location: 19q13.32.
Variant type: Deletion.
Coding change: c.231del on transcript NM_001983.4 (MANE Select); coding-DNA position 231, one base deleted (C; older notation c.231delC).
Protein change: p.Thr78fs; shifts the reading frame from threonine 78.
Molecular consequence: frameshift variant.
Genome position (GRCh38, 1-based): chr19:45,421,268, G deleted on the plus strand (C on the coding strand, the reverse complement: ERCC1 is on the minus strand); the first of 4 consecutive G bases (chr19:45,421,268-45,421,271); deleting any one gives the same sequence. VCF-style (leftmost placement, unchanged base first): chr19-45421267-TG-T. GRCh37 (hg19) VCF-style: chr19-45924525-TG-T.
Other names: c.231del, p.Thr78fs (NM_001166049.2, NM_001369408.1, NM_001369409.1 and 11 more transcripts); short protein forms T78fs.
Identifiers: ClinVar variation 1683582 (VCV001683582.2), dbSNP rs2123520960, ClinGen allele CA2573156460.
Genomic context (GRCh38, chr19:45,421,267, plus strand): 5'-ATTTTGCCCCGGGTTTCAGGGCCTGGTTGGGCGTCTCTCCTGCCAGGGGCTCTGACCCTG[TG>T]GGGCACGTGGCCCCAGCCCCTTCCAGAGGCTGTGAGATGGCATATTCGGCGTAGGTCTGA-3'